The following is an entry in ClinVar:

NM_139057.4(ADAMTS17):c.1183T>A (p.Leu395Met)

Gene: ADAMTS17 (ADAM metallopeptidase with thrombospondin type 1 motif 17; minus strand). Cytogenetic location: 15q26.3.
Variant type: single nucleotide variant.
Coding change: c.1183T>A on transcript NM_139057.4 (MANE Select); coding-DNA position 1183, T replaced by A.
Protein change: p.Leu395Met; replaces leucine 395 with methionine.
Molecular consequence: missense variant.
Genome position (GRCh38, 1-based): chr15:100,155,319, A>T on the plus strand (T>A on the coding strand, the complement: ADAMTS17 is on the minus strand). VCF-style: chr15-100155319-A-T. GRCh37 (hg19) VCF-style: chr15-100695524-A-T.
Other names: short protein forms L395M.
Identifiers: ClinVar variation 1366876 (VCV001366876.4), dbSNP rs2141372073, ClinGen allele CA393934677.

ClinVar aggregate classification (germline): Uncertain significance (1 of 4 stars; one submission).

gnomAD v4.1: 3 of 1,613,546 alleles (0.00019%); highest among the groups gnomAD compares: Admixed American, 0.005%; no homozygotes.

Submission:

Labcorp Genetics (formerly Invitae), Labcorp
Classification: Uncertain significance. Last evaluated: 2021-11-19. Review status: criteria provided, single submitter. Criteria: Invitae Variant Classification Sherloc (09022015). Collection method: clinical testing. Allele origin: germline.
Comment: In summary, the available evidence is currently insufficient to determine the role of this variant in disease. Therefore, it has been classified as a Variant of Uncertain Significance. Algorithms developed to predict the effect of missense changes on protein structure and function output the following: SIFT: "Not Available"; PolyPhen-2: "Benign"; Align-GVGD: "Not Available". The methionine amino acid residue is found in multiple mammalian species, which suggests that this missense change does not adversely affect protein function. This variant has not been reported in the literature in individuals affected with ADAMTS17-related conditions. This variant is not present in population databases (gnomAD no frequency). This sequence change replaces leucine, which is neutral and non-polar, with methionine, which is neutral and non-polar, at codon 395 of the ADAMTS17 protein (p.Leu395Met).